The following is an entry in ClinVar:

ClinVar aggregate classification (germline): Uncertain significance (1 of 4 stars; one submission).

Conditions:
Arrhythmogenic right ventricular dysplasia 8 (ARVD8). Also called: Arrhythmogenic Right Ventricular Dysplasia/Cardiomyopathy 8; ARRHYTHMOGENIC RIGHT VENTRICULAR DYSPLASIA, FAMILIAL, 8; ARRHYTHMOGENIC RIGHT VENTRICULAR CARDIOMYOPATHY 8. Identifiers: MedGen C1843896, MONDO:0011831, OMIM 607450.
Arrhythmogenic cardiomyopathy with wooly hair and keratoderma. Also called: Arrhythmogenic cardiomyopathy with woolly hair and keratoderma; Carvajal syndrome; Dilated cardiomyopathy with woolly hair and keratoderma; PALMOPLANTAR KERATODERMA WITH LEFT VENTRICULAR CARDIOMYOPATHY AND WOOLLY HAIR. Identifiers: Orphanet 65282, MedGen C1854063, MONDO:0011581, OMIM 605676.

Submission:

Labcorp Genetics (formerly Invitae), Labcorp
Classification: Uncertain significance for Arrhythmogenic cardiomyopathy with wooly hair and keratoderma; Arrhythmogenic right ventricular dysplasia 8. Last evaluated: 2024-01-24. Review status: criteria provided, single submitter. Criteria: Invitae Variant Classification Sherloc (09022015). Collection method: clinical testing. Allele origin: germline.
Comment: This variant, c.8484_8507del, results in the deletion of 8 amino acid(s) of the DSP protein (p.Ser2839_Arg2846del), but otherwise preserves the integrity of the reading frame. This variant is not present in population databases (gnomAD no frequency). This variant has not been reported in the literature in individuals affected with DSP-related conditions. Experimental studies and prediction algorithms are not available or were not evaluated, and the functional significance of this variant is currently unknown. In summary, the available evidence is currently insufficient to determine the role of this variant in disease. Therefore, it has been classified as a Variant of Uncertain Significance.

NM_004415.4(DSP):c.8484_8507del (p.2827SGSR[3])

Gene: DSP (desmoplakin; plus strand). Cytogenetic location: 6p24.3.
Variant type: Deletion.
Coding change: c.8484_8507del on transcript NM_004415.4 (MANE Select); coding-DNA positions 8484 to 8507, 24 bases deleted (CTCCCGCTCGGGATCTCGCTCCGG).
Protein change: p.2827SGSR[3].
Molecular consequence: inframe deletion.
Genome position (GRCh38, 1-based): chr6:7,585,746-7,585,769, CTCCCGCTCGGGATCTCGCTCCGG deleted; deleting any 24 consecutive bases within chr6:7,585,738-7,585,769 gives the same sequence; the c. name uses the placement nearest the transcript's 3' end. VCF-style (leftmost placement, unchanged base first): chr6-7585737-CCGCTCCGGCTCCCGCTCGGGATCT-C. GRCh37 (hg19) VCF-style: chr6-7585970-CCGCTCCGGCTCCCGCTCGGGATCT-C.
Other names: c.6687_6710del, p.2228SGSR[3] (NM_001008844.3); c.7155_7178del, p.2384SGSR[3] (NM_001319034.2).
Identifiers: ClinVar variation 2922395 (VCV002922395.3), dbSNP rs905222761, ClinGen allele CA133978081.
Genomic context (GRCh38, chr6:7,585,737, plus strand): 5'-CGCCTCCGTGTCGTCCAAGGGCTTACCCAGCCCTTACAACATGTCTTCGGCTCCGGGGTC[CCGCTCCGGCTCCCGCTCGGGATCT>C]CGCTCCGGATCTCGCTCCGGGTCCCGCAGTGGGTCCCGGAGAGGAAGCTTTGACGCCACA-3'